The following is an entry in ClinVar:

ClinVar aggregate classification (germline): Uncertain significance. Review status: criteria provided, multiple submitters, no conflicts (2 of 4 stars). 2 submissions from 2 submitters: Uncertain significance (2). Last evaluated 2025-08-23.

Conditions:
Inborn genetic diseases. Identifiers: MedGen C0950123, MeSH D030342.
Immunodeficiency 104. Also called: Severe combined immunodeficiency, autosomal recessive, T cell-negative, B cell-positive, NK cell-positive; Severe Combined Immune Deficiency, Autosomal Recessive, TCell -Negative, B Cell-Positive, NK Cell-Positive, IL7R-Related; IMMUNODEFICIENCY 104, SEVERE COMBINED; SCID, AUTOSOMAL RECESSIVE, T CELL-NEGATIVE, B CELL-POSITIVE, NK CELL-POSITIVE. Identifiers: MedGen C5676890, MONDO:0012163, OMIM 608971.

Allele frequency attached by ClinVar (database versions not stated): gnomAD 0.00004 and 0.00005; TOPMed 0.00004.
gnomAD v4.1: 9 of 1,613,134 alleles (0.00056%); highest among the groups gnomAD compares: African/African-American, 0.011%; no homozygotes.

Submissions (2):

Ambry Genetics
Classification: Uncertain significance for Inborn genetic diseases. Last evaluated: 2025-08-23. Review status: criteria provided, single submitter. Criteria: Ambry Variant Classification Scheme 2023. Collection method: clinical testing. Allele origin: germline.

Labcorp Genetics (formerly Invitae), Labcorp
Classification: Uncertain significance for Immunodeficiency 104. Last evaluated: 2021-08-24. Review status: criteria provided, single submitter. Criteria: Invitae Variant Classification Sherloc (09022015). Collection method: clinical testing. Allele origin: germline.
Comment: This sequence change replaces serine with asparagine at codon 1299 of the PTPRC protein (p.Ser1299Asn). The serine residue is highly conserved and there is a small physicochemical difference between serine and asparagine. This variant is not present in population databases (ExAC no frequency). This variant has not been reported in the literature in individuals affected with PTPRC-related conditions. Algorithms developed to predict the effect of missense changes on protein structure and function output the following: SIFT: "Deleterious"; PolyPhen-2: "Benign"; Align-GVGD: "Class C0". The asparagine amino acid residue is found in multiple mammalian species, which suggests that this missense change does not adversely affect protein function. In summary, the available evidence is currently insufficient to determine the role of this variant in disease. Therefore, it has been classified as a Variant of Uncertain Significance.

NM_002838.5(PTPRC):c.3896G>A (p.Ser1299Asn)

Gene: PTPRC (protein tyrosine phosphatase receptor type C; plus strand). Cytogenetic location: 1q32.1.
Variant type: single nucleotide variant.
Coding change: c.3896G>A on transcript NM_002838.5 (MANE Select); coding-DNA position 3896, G replaced by A.
Protein change: p.Ser1299Asn; replaces serine 1299 with asparagine.
Molecular consequence: missense variant.
Genome position (GRCh38, 1-based): chr1:198,756,156, G>A. VCF-style: chr1-198756156-G-A. GRCh37 (hg19) VCF-style: chr1-198725285-G-A.
Other names: c.3413G>A, p.Ser1138Asn (NM_080921.4); c.3890G>A (NM_002838.3); short protein forms S1299N, S1138N.
Identifiers: ClinVar variation 1368827 (VCV001368827.6), dbSNP rs977524211, ClinGen allele CA35920880.
Genomic context (GRCh38, chr1:198,756,156, plus strand): 5'-AAGGTTCTGAACCCACGAGTGGCACTGAGGGGCCAGAACATTCTGTCAATGGTCCTGCAA[G>A]TCCAGCTTTAAATCAAGGTTCATAGGAAAAGACATAAATGAGGAAACTCCAAACCTCCTG-3'
Protein context (NP_002829.3, residues 1289-1306): GPEHSVNGPA[Ser1299Asn]PALNQGS